The following is an entry in ClinVar:

NM_032608.7(MYO18B):c.2889T>G (p.Phe963Leu)

Gene: MYO18B (myosin XVIIIB; plus strand). Cytogenetic location: 22q12.1.
Variant type: single nucleotide variant.
Coding change: c.2889T>G on transcript NM_032608.7 (MANE Select); coding-DNA position 2889, T replaced by G.
Protein change: p.Phe963Leu; replaces phenylalanine 963 with leucine.
Molecular consequence: missense variant.
Genome position (GRCh38, 1-based): chr22:25,828,878, T>G. VCF-style: chr22-25828878-T-G. GRCh37 (hg19) VCF-style: chr22-26224845-T-G.
Other names: c.2889T>G, p.Phe963Leu (NM_001318245.2); short protein forms F963L.
Identifiers: ClinVar variation 2097790 (VCV002097790.5), dbSNP rs1323163890, ClinGen allele CA411000461.

ClinVar aggregate classification (germline): Uncertain significance. Review status: criteria provided, multiple submitters, no conflicts (2 of 4 stars). 2 submissions from 2 submitters: Uncertain significance (2). Last evaluated 2022-08-17.

Conditions:
Inborn genetic diseases. Identifiers: MedGen C0950123, MeSH D030342.

Allele frequency attached by ClinVar (database versions not stated): gnomAD exomes below 0.00001.
gnomAD v4.1: 4 of 1,613,984 alleles (0.00025%); highest among the groups gnomAD compares: Non-Finnish European, 0.00034%; no homozygotes.

Submissions (2):

Ambry Genetics
Classification: Uncertain significance for Inborn genetic diseases. Last evaluated: 2022-08-17. Review status: criteria provided, single submitter. Criteria: Ambry Variant Classification Scheme 2023. Collection method: clinical testing. Allele origin: germline.

Labcorp Genetics (formerly Invitae), Labcorp
Classification: Uncertain significance. Last evaluated: 2022-02-15. Review status: criteria provided, single submitter. Criteria: Invitae Variant Classification Sherloc (09022015). Collection method: clinical testing. Allele origin: germline.
Comment: In summary, the available evidence is currently insufficient to determine the role of this variant in disease. Therefore, it has been classified as a Variant of Uncertain Significance. Algorithms developed to predict the effect of missense changes on protein structure and function are either unavailable or do not agree on the potential impact of this missense change (SIFT: "Not Available"; PolyPhen-2: "Possibly Damaging"; Align-GVGD: "Not Available"). This variant has not been reported in the literature in individuals affected with MYO18B-related conditions. This variant is present in population databases (no rsID available, gnomAD 0.0009%). This sequence change replaces phenylalanine, which is neutral and non-polar, with leucine, which is neutral and non-polar, at codon 963 of the MYO18B protein (p.Phe963Leu).